The following is an entry in ClinVar:

ClinVar aggregate classification (germline): Uncertain significance (1 of 4 stars; one submission).

Conditions:
Hereditary cancer-predisposing syndrome. Also called: Tumor predisposition; Hereditary Cancer Syndrome; Hereditary neoplastic syndrome; Neoplastic Syndromes, Hereditary. Identifiers: Orphanet 140162, MedGen C0027672, MeSH D009386, MONDO:0015356.

Submission:

Ambry Genetics
Classification: Uncertain significance for Hereditary cancer-predisposing syndrome. Last evaluated: 2025-11-25. Review status: criteria provided, single submitter. Criteria: Ambry Variant Classification Scheme 2023. Collection method: clinical testing. Allele origin: germline.
Comment: The p.I202M variant (also known as c.606C>G), located in coding exon 6 of the TSC2 gene, results from a C to G substitution at nucleotide position 606. The isoleucine at codon 202 is replaced by methionine, an amino acid with highly similar properties. This amino acid position is conserved. In addition, the in silico prediction for this alteration is inconclusive. Based on the available evidence, the clinical significance of this variant remains unclear.

NM_000548.5(TSC2):c.606C>G (p.Ile202Met)

Gene: TSC2 (TSC complex subunit 2; plus strand). Cytogenetic location: 16p13.3.
Variant type: single nucleotide variant.
Coding change: c.606C>G on transcript NM_000548.5 (MANE Select); coding-DNA position 606, C replaced by G.
Protein change: p.Ile202Met; replaces isoleucine 202 with methionine.
Molecular consequence: missense variant. On other transcripts: 5 prime UTR variant (10), non-coding transcript variant (5).
Genome position (GRCh38, 1-based): chr16:2,056,202, C>G. VCF-style: chr16-2056202-C-G. GRCh37 (hg19) VCF-style: chr16-2106203-C-G.
Other names: c.606C>G, p.Ile202Met (NM_001077183.3, NM_001114382.3, NM_001363528.2 and 8 more transcripts); c.495C>G, p.Ile165Met (NM_001318827.2, NM_001406670.1, NM_001406678.1); c.459C>G, p.Ile153Met (NM_001318829.2, NM_001406675.1, NM_001406676.1 and 1 more transcripts); c.6C>G, p.Ile2Met (NM_001318831.2, NM_001406680.1, NM_001406682.1 and 6 more transcripts); c.639C>G, p.Ile213Met (NM_001318832.2); c.696C>G, p.Ile232Met (NM_001406667.1, NM_001406668.1); c.549C>G, p.Ile183Met (NM_001406677.1); c.144C>G, p.Ile48Met (NM_001406681.1); and 4 more; short protein forms I165M, I213M, I183M, I2M, I153M, I202M, I232M, I48M.
Identifiers: ClinVar variation 4557498 (VCV004557498.1).